The following is an entry in ClinVar:

ClinVar aggregate classification (germline): Uncertain significance (1 of 4 stars; one submission).

Conditions:
Familial cancer of breast. Also called: Hereditary breast cancer; BREAST CANCER, FAMILIAL; hereditary breast carcinoma. Identifiers: Orphanet 227535, MedGen C0346153, MONDO:0016419, OMIM 114480. Disease mechanism: loss of function.

Submission:

Labcorp Genetics (formerly Invitae), Labcorp
Classification: Uncertain significance for Familial cancer of breast. Last evaluated: 2024-02-26. Review status: criteria provided, single submitter. Criteria: Invitae Variant Classification Sherloc (09022015). Collection method: clinical testing. Allele origin: germline.
Comment: This sequence change replaces glutamic acid, which is acidic and polar, with glutamine, which is neutral and polar, at codon 76 of the CHEK2 protein (p.Glu76Gln). This variant is not present in population databases (gnomAD no frequency). This variant has not been reported in the literature in individuals affected with CHEK2-related conditions. ClinVar contains an entry for this variant (Variation ID: 1358396). An algorithm developed to predict the effect of missense changes on protein structure and function (PolyPhen-2) suggests that this variant is likely to be tolerated. Studies have shown that this missense change is associated with inconclusive levels of altered splicing (Invitae). In summary, the available evidence is currently insufficient to determine the role of this variant in disease. Therefore, it has been classified as a Variant of Uncertain Significance.

NM_007194.4(CHEK2):c.226G>C (p.Glu76Gln)

Gene: CHEK2 (checkpoint kinase 2; minus strand). Cytogenetic location: 22q12.1.
Variant type: single nucleotide variant.
Coding change: c.226G>C on transcript NM_007194.4 (MANE Select); coding-DNA position 226, G replaced by C.
Protein change: p.Glu76Gln; replaces glutamic acid 76 with glutamine.
Molecular consequence: missense variant.
Genome position (GRCh38, 1-based): chr22:28,734,496, C>G on the plus strand (G>C on the coding strand, the complement: CHEK2 is on the minus strand). VCF-style: chr22-28734496-C-G. GRCh37 (hg19) VCF-style: chr22-29130484-C-G.
Other names: c.226G>C, p.Glu76Gln (NM_001005735.3, NM_001349956.3, NM_145862.3); c.-552G>C (NM_001257387.3); short protein forms E76Q.
Identifiers: ClinVar variation 1358396 (VCV001358396.9), dbSNP rs1601852018, ClinGen allele CA411090697.
Genomic context (GRCh38, chr22:28,734,496, plus strand): 5'-ATCGAGCCCAGGGGGCAGGGGTAGGCTCCTCAGGTTCTTGGTCCTCAGGTTCTTGGTCCT[C>G]AGGAATAGAATAGAGTTCCTGAGTGGACACTGTCTCTAAGGAGCTCAGTGTCCCAGAGCT-3'
Protein context (NP_009125.1, residues 66-86): VSTQELYSIP[Glu76Gln]DQEPEDQEPE